The following is an entry in ClinVar:

ClinVar aggregate classification (germline): Uncertain significance (1 of 4 stars; one submission).

Conditions:
Renal hypodysplasia/aplasia 3 (RHDA3). Identifiers: MedGen C4540497, MONDO:0024520, OMIM 617805.

Allele frequency attached by ClinVar (database versions not stated): gnomAD exomes below 0.00001.
gnomAD v4.1: 1 of 1,550,952 alleles (0.000064%); highest among the groups gnomAD compares: Non-Finnish European, 0.000087%; no homozygotes.

Submission:

MVZ Medizinische Genetik Mainz
Classification: Uncertain significance for Renal hypodysplasia/aplasia 3. Last evaluated: 2022-01-14. Review status: criteria provided, single submitter. Criteria: UK Practice Guidelines For Variant Classification V4 01 2020. Collection method: clinical testing. Allele origin: germline. Inheritance: Autosomal dominant inheritance. Affected: yes. Observed: 1 variant allele.
Comment: ACMG Criteria: PM2_SUP (ACMG Version 3)

NM_001142966.3(GREB1L):c.1984+5T>C

Gene: GREB1L (GREB1 like retinoic acid receptor coactivator; plus strand). Cytogenetic location: 18q11.1.
Variant type: single nucleotide variant.
Coding change: c.1984+5T>C on transcript NM_001142966.3 (MANE Select); 5 bases into the intron after coding-DNA position 1984, T replaced by C.
Molecular consequence: intron variant.
Genome position (GRCh38, 1-based): chr18:21,452,222, T>C. VCF-style: chr18-21452222-T-C. GRCh37 (hg19) VCF-style: chr18-19032183-T-C.
Other names: c.2113+5T>C (NM_001410867.1); c.1657+5T>C (NM_001410868.1).
Identifiers: ClinVar variation 3236038 (VCV003236038.1), dbSNP rs2511464728, ClinGen allele CA2576466334.